The following is an entry in ClinVar:

NM_004356.4(CD81):c.411T>C (p.Asp137=)

Gene: CD81 (CD81 molecule; plus strand). Cytogenetic location: 11p15.5.
Variant type: single nucleotide variant.
Coding change: c.411T>C on transcript NM_004356.4 (MANE Select); coding-DNA position 411, T replaced by C.
Protein change: p.Asp137=; no amino-acid change (aspartic acid 137 retained).
Molecular consequence: synonymous variant.
Genome position (GRCh38, 1-based): chr11:2,395,472, T>C. VCF-style: chr11-2395472-T-C. GRCh37 (hg19) VCF-style: chr11-2416702-T-C.
Other names: c.198T>C, p.Asp66= (NM_001297649.2); c.411T>C (NM_004356.3).
Identifiers: ClinVar variation 1588561 (VCV001588561.11), dbSNP rs772886745, ClinGen allele CA5819997.

ClinVar aggregate classification (germline): Likely benign. Review status: criteria provided, multiple submitters, no conflicts (2 of 4 stars). 3 submissions from 3 submitters: Likely benign (2). 1 of the submissions does not count toward it. Last evaluated 2025-07-22.

Conditions:
CD81-related disorder. Also called: CD81-related condition.

Allele frequency attached by ClinVar (database versions not stated): ExAC 0.00002; gnomAD exomes 0.00002 and 0.00006; gnomAD 0.00003; TOPMed 0.00003.
gnomAD v4.1: 92 of 1,612,620 alleles (0.0057%); highest among the groups gnomAD compares: Non-Finnish European, 0.0078%; no homozygotes.

Submissions (3):

Labcorp Genetics (formerly Invitae), Labcorp
Classification: Likely benign. Last evaluated: 2025-07-22. Review status: criteria provided, single submitter. Criteria: Invitae Variant Classification Sherloc (09022015). Collection method: clinical testing. Allele origin: germline.

Blueprint Genetics
Classification: Likely benign. Last evaluated: 2023-04-19. Review status: criteria provided, single submitter. Criteria: ACMG Guidelines, 2015. Collection method: clinical testing. Allele origin: germline.

PreventionGenetics, part of Exact Sciences
Classification: Likely benign for CD81-related condition. Last evaluated: 2019-07-10. Review status: no assertion criteria provided. Collection method: clinical testing. Allele origin: germline. Not counted in ClinVar's aggregate classification.
Comment: This variant is classified as likely benign based on ACMG/AMP sequence variant interpretation guidelines (Richards et al. 2015 PMID: 25741868, with internal and published modifications).